The following is an entry in ClinVar:

NM_024422.6(DSC2):c.136G>A (p.Glu46Lys)

Gene: DSC2 (desmocollin 2; minus strand). Cytogenetic location: 18q12.1.
Variant type: single nucleotide variant.
Coding change: c.136G>A on transcript NM_024422.6 (MANE Select); coding-DNA position 136, G replaced by A.
Protein change: p.Glu46Lys; replaces glutamic acid 46 with lysine.
Molecular consequence: missense variant.
Genome position (GRCh38, 1-based): chr18:31,093,577, C>T on the plus strand (G>A on the coding strand, the complement: DSC2 is on the minus strand). VCF-style: chr18-31093577-C-T. GRCh37 (hg19) VCF-style: chr18-28673540-C-T.
Other names: p.Glu46Lys; c.136G>A, p.Glu46Lys (NM_004949.5); short protein forms E46K.
Identifiers: ClinVar variation 536266 (VCV000536266.35), dbSNP rs180908546, ClinGen allele CA031153.
Genomic context (GRCh38, chr18:31,093,577, plus strand): 5'-ACAGCAAAACAGGATTTATTACAAATTTTAGGGCTTCCTTACCTCTACCAACAAGTTTCT[C>T]GGCATCTAGTTTGGAGGGAACATGTAATGTCACATTTTTGCAGGCATCACTGGCAAATAT-3'
Protein context (NP_077740.1, residues 36-56): TLHVPSKLDA[Glu46Lys]KLVGRVNLKE

ClinVar aggregate classification (germline): Conflicting classifications of pathogenicity. Review status: criteria provided, conflicting classifications (1 of 4 stars). 7 submissions from 7 submitters: Uncertain significance (3); Likely benign (4). Last evaluated 2026-01-05.

Conditions:
Cardiomyopathy (CMYO). Also called: Cardiomyopathies. Identifiers: Orphanet 167848, MedGen C0878544, MONDO:0004994, HP:0001638. Inheritance: Various modes of inheritance.
Cardiovascular phenotype. Identifiers: MedGen CN230736.
Arrhythmogenic right ventricular dysplasia 11. Also called: Arrhythmogenic Right Ventricular Dysplasia/Cardiomyopathy11; ARRHYTHMOGENIC RIGHT VENTRICULAR DYSPLASIA, FAMILIAL, 11; Arrhythmogenic right ventricular dysplasia 11 with mild palmoplantar keratoderma and woolly hair. Identifiers: MedGen C1864850, MONDO:0012506, OMIM 610476.
Familial isolated arrhythmogenic right ventricular dysplasia. Identifiers: Orphanet 217656, MedGen C4274968, MONDO:0016342.

Allele frequency attached by ClinVar (database versions not stated): TOPMed 0.00007; ESP Exome Variant Server 0.00008; gnomAD 0.00008 and 0.00009; gnomAD exomes 0.00010; ExAC 0.00012; 1000 Genomes Project 30x 0.00016; 1000 Genomes Project 0.00020.
gnomAD v4.1: 157 of 1,605,112 alleles (0.0098%); highest among the groups gnomAD compares: South Asian, 0.013%; no homozygotes.

Submissions (7):

Labcorp Genetics (formerly Invitae), Labcorp
Classification: Likely benign for Arrhythmogenic right ventricular dysplasia 11. Last evaluated: 2026-01-05. Review status: criteria provided, single submitter. Criteria: Invitae Variant Classification Sherloc (09022015). Collection method: clinical testing. Allele origin: germline.

Blueprint Genetics
Classification: Likely benign. Last evaluated: 2024-10-09. Review status: criteria provided, single submitter. Criteria: ACMG Guidelines, 2015. Collection method: clinical testing. Allele origin: germline.

GeneDx
Classification: Uncertain significance. Last evaluated: 2024-07-19. Review status: criteria provided, single submitter. Criteria: GeneDx Variant Classification Process June 2021. Collection method: clinical testing. Allele origin: germline. Affected: yes.
Comment: Identified in a patient with amyloidosis in published literature (PMID: 30847666); In silico analysis indicates that this missense variant does not alter protein structure/function; This variant is associated with the following publications: (PMID: 26768331, 30847666)

Color Diagnostics, LLC DBA Color Health
Classification: Likely benign for Cardiomyopathy. Last evaluated: 2024-04-22. Review status: criteria provided, single submitter. Criteria: ACMG Guidelines, 2015. Collection method: clinical testing. Allele origin: germline.

Mayo Clinic Laboratories, Mayo Clinic
Classification: Uncertain significance. Last evaluated: 2024-03-20. Review status: criteria provided, single submitter. Criteria: ACMG Guidelines, 2015. Collection method: clinical testing. Allele origin: germline. Observed: 1 variant allele.
Comment: BP4

All of Us Research Program, National Institutes of Health
Classification: Uncertain significance for Familial isolated arrhythmogenic right ventricular dysplasia. Last evaluated: 2024-01-11. Review status: criteria provided, single submitter. Criteria: ACMG Guidelines, 2015. Collection method: clinical testing. Allele origin: germline. Inheritance: Autosomal dominant inheritance. Observed: 24 variant alleles, 24 heterozygotes.
Comment: This missense variant replaces glutamic acid with lysine at codon 46 of the DSC2 protein. Computational prediction suggests that this variant may not impact protein structure and function (internally defined REVEL score threshold <= 0.5, PMID: 27666373). To our knowledge, functional studies have not been reported for this variant. This variant has not been reported in individuals affected with cardiovascular disorders in the literature. This variant has been identified in 25/282612 chromosomes in the general population by the Genome Aggregation Database (gnomAD). The available evidence is insufficient to determine the role of this variant in disease conclusively. Therefore, this variant is classified as a Variant of Uncertain Significance.

This study involves interpretation of variants in research participants for the purpose of population health screening. Participant phenotype was not available at the time of variant classification. Additional details can be found in publication PMID: 35346344, PMCID: PMC8962531

Ambry Genetics
Classification: Likely benign for Cardiovascular phenotype. Last evaluated: 2021-08-20. Review status: criteria provided, single submitter. Criteria: Ambry Variant Classification Scheme 2023. Collection method: clinical testing. Allele origin: germline.

Literature cited by the submitters: PubMed 26768331 (cited by Mayo Clinic Laboratories, Mayo Clinic and Ambry Genetics); PubMed 30847666 (cited by Mayo Clinic Laboratories, Mayo Clinic and Ambry Genetics).